The following is an entry in ClinVar:

ClinVar aggregate classification (germline): Uncertain significance (1 of 4 stars; one submission).

Conditions:
Cardiovascular phenotype. Identifiers: MedGen CN230736.

gnomAD v4.1: 2 of 1,613,908 alleles (0.00012%); highest among the groups gnomAD compares: South Asian, 0.0022%; no homozygotes.

Submission:

Ambry Genetics
Classification: Uncertain significance for Cardiovascular phenotype. Last evaluated: 2025-09-16. Review status: criteria provided, single submitter. Criteria: Ambry Variant Classification Scheme 2023. Collection method: clinical testing. Allele origin: germline.
Comment: The c.6027G>A variant (also known as p.E2009E), located in coding exon 37 of the FLNC gene, results from a G to A substitution at nucleotide position 6027. This nucleotide substitution does not change the glutamic acid at codon 2009. This nucleotide position is not well conserved in available vertebrate species. In silico splice site analysis predicts that this alteration may result in the creation or strengthening of a novel splice acceptor site. Based on the available evidence, the clinical significance of this variant remains unclear.

NM_001458.5(FLNC):c.6027G>A (p.Glu2009=)

Genes: FLNC (filamin C; plus strand), FLNC-AS1 (FLNC antisense RNA 1; minus strand). Cytogenetic location: 7q32.1.
Variant type: single nucleotide variant.
Coding change: c.6027G>A on transcript NM_001458.5 (MANE Select); coding-DNA position 6027, G replaced by A.
Protein change: p.Glu2009=; no amino-acid change (glutamic acid 2009 retained).
Molecular consequence: synonymous variant.
Genome position (GRCh38, 1-based): chr7:128,852,850, G>A. VCF-style: chr7-128852850-G-A. GRCh37 (hg19) VCF-style: chr7-128492904-G-A.
Other names: c.5928G>A, p.Glu1976= (NM_001127487.2).
Identifiers: ClinVar variation 4614183 (VCV004614183.1).
Genomic context (GRCh38, chr7:128,852,850, plus strand): 5'-GCCCACAGGATGCTCTGCCTAACACCCACTTTCCACAGGGATCTCCTTCACCCCCAAGGA[G>A]GTCGGGGAGCACGTGGTGAGCGTGCGCAAGAGTGGCAAGCATGTCACCAACAGCCCCTTC-3'
Protein context (NP_001449.3, residues 1999-2019): RHIGISFTPK[Glu2009=]VGEHVVSVRK